The following is an entry in ClinVar:

ClinVar aggregate classification (germline): Benign. Review status: criteria provided, multiple submitters, no conflicts (2 of 4 stars). 7 submissions from 7 submitters: Benign (5). 2 of the submissions do not count toward it. Last evaluated 2026-02-03.

Conditions:
Joubert syndrome. Also called: CEREBELLOPARENCHYMAL DISORDER IV; JOUBERT-BOLTSHAUSER SYNDROME; Familial aplasia of the vermis. Identifiers: Orphanet 475, MedGen C5979921, MONDO:0018772.
Orofaciodigital syndrome I (OFD1). Also called: Oral-Facial-Digital Syndrome Type I; Papillon-Leage and Psaume Syndrome; OFDS I. Identifiers: Orphanet 2750, MedGen C1510460, MONDO:0010702, OMIM 311200.

Allele frequency attached by ClinVar (database versions not stated): gnomAD exomes 0.01326; ExAC 0.01532; gnomAD 0.02249 and 0.02280; ESP Exome Variant Server 0.02461; TOPMed 0.02521; 1000 Genomes Project 0.03629; 1000 Genomes Project 30x 0.03746.
gnomAD v4.1: 8,855 of 1,206,536 alleles (0.73%); highest among the groups gnomAD compares: African/African-American, 6.7%; 173 homozygotes.

Submissions (7):

Labcorp Genetics (formerly Invitae), Labcorp
Classification: Benign for Orofaciodigital syndrome I; Joubert syndrome. Last evaluated: 2026-02-03. Review status: criteria provided, single submitter. Criteria: Invitae Variant Classification Sherloc (09022015). Collection method: clinical testing. Allele origin: germline.

GeneDx
Classification: Benign. Last evaluated: 2016-03-31. Review status: criteria provided, single submitter. Criteria: GeneDx Variant Classification (06012015). Collection method: clinical testing. Allele origin: germline. Affected: yes.
Comment: This variant is considered likely benign or benign based on one or more of the following criteria: it is a conservative change, it occurs at a poorly conserved position in the protein, it is predicted to be benign by multiple in silico algorithms, and/or has population frequency not consistent with disease.

Genetic Services Laboratory, University of Chicago
Classification: Benign. Last evaluated: 2013-02-08. Review status: criteria provided, single submitter. Criteria: ACMG Guidelines, 2007. Collection method: clinical testing. Allele origin: germline. Inheritance: X-linked inheritance.

Breakthrough Genomics
Classification: Benign. Review status: criteria provided, single submitter. Criteria: ACMG Guidelines, 2015. Collection method: not provided. Allele origin: germline. Inheritance: X-linked inheritance. Affected: yes.

PreventionGenetics, part of Exact Sciences
Classification: Benign. Review status: criteria provided, single submitter. Criteria: ACMG Guidelines, 2015. Collection method: clinical testing. Allele origin: germline.

Clinical Genetics DNA and cytogenetics Diagnostics Lab, Erasmus MC, Erasmus Medical Center
Classification: Benign. Review status: no assertion criteria provided. Collection method: clinical testing. Allele origin: germline. Affected: yes. Study: VKGL Data-share Consensus. Not counted in ClinVar's aggregate classification.

Genome Diagnostics Laboratory, University Medical Center Utrecht
Classification: Likely benign. Review status: no assertion criteria provided. Collection method: clinical testing. Allele origin: germline. Affected: yes. Study: VKGL Data-share Consensus. Not counted in ClinVar's aggregate classification.

NM_003611.3(OFD1):c.2387+11C>T

Gene: OFD1 (OFD1 centriole and centriolar satellite protein; plus strand). Cytogenetic location: Xp22.2.
Variant type: single nucleotide variant.
Coding change: c.2387+11C>T on transcript NM_003611.3 (MANE Select); 11 bases into the intron after coding-DNA position 2387, C replaced by T.
Molecular consequence: intron variant.
Genome position (GRCh38, 1-based): chrX:13,761,222, C>T. VCF-style: chrX-13761222-C-T. GRCh37 (hg19) VCF-style: chrX-13779341-C-T.
Other names: c.1967+11C>T (NM_001330210.2); c.2267+11C>T (NM_001330209.2).
Identifiers: ClinVar variation 159471 (VCV000159471.19), dbSNP rs140369491, ClinGen allele CA172898.